The following is an entry in ClinVar:

ClinVar aggregate classification (germline): Uncertain significance (1 of 4 stars; one submission).

Submission:

Labcorp Genetics (formerly Invitae), Labcorp
Classification: Uncertain significance. Last evaluated: 2022-04-15. Review status: criteria provided, single submitter. Criteria: Invitae Variant Classification Sherloc (09022015). Collection method: clinical testing. Allele origin: germline.
Comment: In summary, the available evidence is currently insufficient to determine the role of this variant in disease. Therefore, it has been classified as a Variant of Uncertain Significance. Algorithms developed to predict the effect of missense changes on protein structure and function are either unavailable or do not agree on the potential impact of this missense change (SIFT: "Tolerated"; PolyPhen-2: "Probably Damaging"; Align-GVGD: "Class C0"). This variant has not been reported in the literature in individuals affected with TMC1-related conditions. This variant is not present in population databases (gnomAD no frequency). This sequence change replaces tyrosine, which is neutral and polar, with asparagine, which is neutral and polar, at codon 196 of the TMC1 protein (p.Tyr196Asn).

NM_138691.3(TMC1):c.586T>A (p.Tyr196Asn)

Gene: TMC1 (transmembrane channel like 1; plus strand). Cytogenetic location: 9q21.13.
Variant type: single nucleotide variant.
Coding change: c.586T>A on transcript NM_138691.3 (MANE Select); coding-DNA position 586, T replaced by A.
Protein change: p.Tyr196Asn; replaces tyrosine 196 with asparagine.
Molecular consequence: missense variant.
Genome position (GRCh38, 1-based): chr9:72,751,900, T>A. VCF-style: chr9-72751900-T-A. GRCh37 (hg19) VCF-style: chr9-75366816-T-A.
Other names: short protein forms Y196N.
Identifiers: ClinVar variation 2126555 (VCV002126555.4), dbSNP rs2489834832, ClinGen allele CA373497694.